The following is an entry in ClinVar:

ClinVar aggregate classification (germline): Conflicting classifications of pathogenicity. Review status: criteria provided, conflicting classifications (1 of 4 stars). 5 submissions from 5 submitters: Uncertain significance (2); Benign (2); Likely benign (1). Last evaluated 2025-05-20.

Conditions:
Inborn genetic diseases. Identifiers: MedGen C0950123, MeSH D030342.

Allele frequency attached by ClinVar (database versions not stated): gnomAD exomes 0.00014 and 0.00033; ExAC 0.00045; gnomAD 0.00135 and 0.00137; ESP Exome Variant Server 0.00151; TOPMed 0.00152; 1000 Genomes Project 0.00200; 1000 Genomes Project 30x 0.00250.
gnomAD v4.1: 422 of 1,614,076 alleles (0.026%); highest among the groups gnomAD compares: African/African-American, 0.43%; 1 homozygote.

Submissions (5):

Ambry Genetics
Classification: Uncertain significance for Inborn genetic diseases. Last evaluated: 2025-05-20. Review status: criteria provided, single submitter. Criteria: Ambry Variant Classification Scheme 2023. Collection method: clinical testing. Allele origin: germline.

Labcorp Genetics (formerly Invitae), Labcorp
Classification: Benign. Last evaluated: 2025-03-03. Review status: criteria provided, single submitter. Criteria: Invitae Variant Classification Sherloc (09022015). Collection method: clinical testing. Allele origin: germline.

Blueprint Genetics
Classification: Likely benign. Last evaluated: 2024-11-13. Review status: criteria provided, single submitter. Criteria: ACMG Guidelines, 2015. Collection method: clinical testing. Allele origin: germline.

GeneDx
Classification: Uncertain significance. Last evaluated: 2022-08-11. Review status: criteria provided, single submitter. Criteria: GeneDx Variant Classification Process June 2021. Collection method: clinical testing. Allele origin: germline. Affected: yes.
Comment: In silico analysis supports that this missense variant has a deleterious effect on protein structure/function; Has not been previously published as pathogenic or benign to our knowledge

Athena Diagnostics
Classification: Benign. Last evaluated: 2021-03-29. Review status: criteria provided, single submitter. Criteria: Athena Diagnostics criteria. Collection method: clinical testing. Allele origin: unknown.

NM_173500.4(TTBK2):c.1105C>T (p.Pro369Ser)

Gene: TTBK2 (tau tubulin kinase 2; minus strand). Cytogenetic location: 15q15.2.
Variant type: single nucleotide variant.
Coding change: c.1105C>T on transcript NM_173500.4 (MANE Select); coding-DNA position 1105, C replaced by T.
Protein change: p.Pro369Ser; replaces proline 369 with serine.
Molecular consequence: missense variant.
Genome position (GRCh38, 1-based): chr15:42,783,511, G>A on the plus strand (C>T on the coding strand, the complement: TTBK2 is on the minus strand). VCF-style: chr15-42783511-G-A. GRCh37 (hg19) VCF-style: chr15-43075709-G-A.
Other names: short protein forms P369S.
Identifiers: ClinVar variation 718601 (VCV000718601.12), dbSNP rs202237707, ClinGen allele CA7516968.